The following is an entry in ClinVar:

ClinVar aggregate classification (germline): Uncertain significance (1 of 4 stars; one submission).

gnomAD v4.1: 1 of 1,614,068 alleles (0.000062%); highest among the groups gnomAD compares: African/African-American, 0.0013%; no homozygotes.

Submission:

Labcorp Genetics (formerly Invitae), Labcorp
Classification: Uncertain significance. Last evaluated: 2022-09-01. Review status: criteria provided, single submitter. Criteria: Invitae Variant Classification Sherloc (09022015). Collection method: clinical testing. Allele origin: germline.
Comment: ClinVar contains an entry for this variant (Variation ID: 1375532). This sequence change replaces lysine, which is basic and polar, with arginine, which is basic and polar, at codon 1376 of the LAMC3 protein (p.Lys1376Arg). This variant is not present in population databases (gnomAD no frequency). This variant has not been reported in the literature in individuals affected with LAMC3-related conditions. Algorithms developed to predict the effect of missense changes on protein structure and function (SIFT, PolyPhen-2, Align-GVGD) all suggest that this variant is likely to be tolerated. In summary, the available evidence is currently insufficient to determine the role of this variant in disease. Therefore, it has been classified as a Variant of Uncertain Significance.

NM_006059.4(LAMC3):c.4127A>G (p.Lys1376Arg)

Gene: LAMC3 (laminin subunit gamma 3; plus strand). Cytogenetic location: 9q34.12.
Variant type: single nucleotide variant.
Coding change: c.4127A>G on transcript NM_006059.4 (MANE Select); coding-DNA position 4127, A replaced by G.
Protein change: p.Lys1376Arg; replaces lysine 1376 with arginine.
Molecular consequence: missense variant.
Genome position (GRCh38, 1-based): chr9:131,085,620, A>G. VCF-style: chr9-131085620-A-G. GRCh37 (hg19) VCF-style: chr9-133961007-A-G.
Other names: short protein forms K1376R.
Identifiers: ClinVar variation 1375532 (VCV001375532.6), dbSNP rs200336679, ClinGen allele CA375264564.